The following is an entry in ClinVar:

ClinVar aggregate classification (germline): Uncertain significance (1 of 4 stars; one submission).

gnomAD v4.1: 2 of 1,613,694 alleles (0.00012%); highest among the groups gnomAD compares: African/African-American, 0.0013%; no homozygotes.

Submission:

GeneDx
Classification: Uncertain significance. Last evaluated: 2025-04-17. Review status: criteria provided, single submitter. Criteria: GeneDx Variant Classification Process June 2021. Collection method: clinical testing. Allele origin: germline. Affected: yes.
Comment: Not observed at significant frequency in large population cohorts (gnomAD); In silico analysis indicates that this missense variant does not alter protein structure/function; Has not been previously published as pathogenic or benign to our knowledge

NM_012479.4(YWHAG):c.237T>G (p.Ile79Met)

Gene: YWHAG (tyrosine 3-monooxygenase/tryptophan 5-monooxygenase activation protein gamma; minus strand). Cytogenetic location: 7q11.23.
Variant type: single nucleotide variant.
Coding change: c.237T>G on transcript NM_012479.4 (MANE Select); coding-DNA position 237, T replaced by G.
Protein change: p.Ile79Met; replaces isoleucine 79 with methionine.
Molecular consequence: missense variant.
Genome position (GRCh38, 1-based): chr7:76,330,084, A>C on the plus strand (T>G on the coding strand, the complement: YWHAG is on the minus strand). VCF-style: chr7-76330084-A-C. GRCh37 (hg19) VCF-style: chr7-75959401-A-C.
Other names: short protein forms I79M.
Identifiers: ClinVar variation 4282282 (VCV004282282.1).